The following is an entry in ClinVar:

ClinVar aggregate classification (germline): Uncertain significance. Review status: criteria provided, multiple submitters, no conflicts (2 of 4 stars). 3 submissions from 3 submitters: Uncertain significance (3). Last evaluated 2024-02-26.

Conditions:
Mitochondrial complex IV deficiency, nuclear type 7. Also called: Mitochondrial complex 4 deficiency, nuclear type 7. Identifiers: MedGen C5436685, MONDO:0033637, OMIM 619051.
Inborn genetic diseases. Identifiers: MedGen C0950123, MeSH D030342.

Allele frequency attached by ClinVar (database versions not stated): ExAC 0.00001; gnomAD 0.00001; gnomAD exomes 0.00001; TOPMed 0.00001; ESP Exome Variant Server 0.00008.
gnomAD v4.1: 12 of 1,613,852 alleles (0.00074%); highest among the groups gnomAD compares: Middle Eastern, 0.016%; no homozygotes.

Submissions (3):

Labcorp Genetics (formerly Invitae), Labcorp
Classification: Uncertain significance. Last evaluated: 2024-02-26. Review status: criteria provided, single submitter. Criteria: Invitae Variant Classification Sherloc (09022015). Collection method: clinical testing. Allele origin: germline.
Comment: This sequence change replaces glycine, which is neutral and non-polar, with arginine, which is basic and polar, at codon 84 of the COX6B1 protein (p.Gly84Arg). This variant is present in population databases (rs368231191, gnomAD 0.006%). This variant has not been reported in the literature in individuals affected with COX6B1-related conditions. ClinVar contains an entry for this variant (Variation ID: 1383648). An algorithm developed to predict the effect of missense changes on protein structure and function (PolyPhen-2) suggests that this variant is likely to be disruptive. In summary, the available evidence is currently insufficient to determine the role of this variant in disease. Therefore, it has been classified as a Variant of Uncertain Significance.

Fulgent Genetics
Classification: Uncertain significance for Mitochondrial complex IV deficiency, nuclear type 7. Last evaluated: 2024-02-12. Review status: criteria provided, single submitter. Criteria: ACMG Guidelines, 2015. Collection method: clinical testing. Allele origin: germline.

Ambry Genetics
Classification: Uncertain significance for Inborn genetic diseases. Last evaluated: 2023-06-05. Review status: criteria provided, single submitter. Criteria: Ambry Variant Classification Scheme 2023. Collection method: clinical testing. Allele origin: germline.

NM_001863.5(COX6B1):c.250G>A (p.Gly84Arg)

Gene: COX6B1 (cytochrome c oxidase subunit 6B1; plus strand). Cytogenetic location: 19q13.12.
Variant type: single nucleotide variant.
Coding change: c.250G>A on transcript NM_001863.5 (MANE Select); coding-DNA position 250, G replaced by A.
Protein change: p.Gly84Arg; replaces glycine 84 with arginine.
Molecular consequence: missense variant.
Genome position (GRCh38, 1-based): chr19:35,658,636, G>A. VCF-style: chr19-35658636-G-A. GRCh37 (hg19) VCF-style: chr19-36149538-G-A.
Other names: c.250G>A (NM_001863.4); short protein forms G84R.
Identifiers: ClinVar variation 1383648 (VCV001383648.8), dbSNP rs368231191, ClinGen allele CA9383191.